The following is an entry in ClinVar:

ClinVar aggregate classification (germline): Likely benign. Review status: criteria provided, single submitter (1 of 4 stars). 2 submissions from 2 submitters: Likely benign (1). 1 of the submissions does not count toward it. Last evaluated 2024-11-06.

Conditions:
TASP1-related disorder. Also called: TASP1-related condition.

Submissions (2):

Blueprint Genetics
Classification: Likely benign. Last evaluated: 2024-11-06. Review status: criteria provided, single submitter. Criteria: ACMG Guidelines, 2015. Collection method: clinical testing. Allele origin: germline.

PreventionGenetics, part of Exact Sciences
Classification: Likely benign for TASP1-related condition. Last evaluated: 2019-12-16. Review status: no assertion criteria provided. Collection method: clinical testing. Allele origin: germline. Not counted in ClinVar's aggregate classification.
Comment: This variant is classified as likely benign based on ACMG/AMP sequence variant interpretation guidelines (Richards et al. 2015 PMID: 25741868, with internal and published modifications).

NM_017714.3(TASP1):c.1171-16CT[5]

Gene: TASP1 (taspase 1; minus strand). Cytogenetic location: 20p12.1.
Variant type: Microsatellite.
Coding change: c.1171-16CT[5] on transcript NM_017714.3 (MANE Select); five copies in a row of the 2-base unit CT starting at c.1171-16; the reference has six copies in a row; one copy, 2 bases deleted.
Molecular consequence: intron variant.
Genome position (GRCh38, 1-based): chr20:13,390,457-13,390,458, AG deleted on the plus strand (CT on the coding strand, the reverse complement: TASP1 is on the minus strand); deleting any 2 consecutive bases within chr20:13,390,457-13,390,469 gives the same sequence; the position shown is the placement nearest the transcript's 3' end. VCF-style (leftmost placement, unchanged base first): chr20-13390456-CAG-C. GRCh37 (hg19) VCF-style: chr20-13371103-CAG-C.
Other names: c.778-16CT[5] (NM_001323602.2); c.865-16CT[5] (NM_001323604.2, NM_001323603.2).
Identifiers: ClinVar variation 3055272 (VCV003055272.3), dbSNP rs745426610, ClinGen allele CA9766467.